The following is an entry in ClinVar:

NM_001384900.1(SEMA3D):c.2040T>A (p.Thr680=)

Genes: SEMA3D (semaphorin 3D; minus strand), LOC126860094 (BRD4-independent group 4 enhancer GRCh37_chr7:84628763-84629962; plus strand). Cytogenetic location: 7q21.11.
Variant type: single nucleotide variant.
Coding change: c.2040T>A on transcript NM_001384900.1 (MANE Select); coding-DNA position 2040, T replaced by A.
Protein change: p.Thr680=; no amino-acid change (threonine 680 retained).
Molecular consequence: synonymous variant.
Genome position (GRCh38, 1-based): chr7:84,999,734, A>T on the plus strand (T>A on the coding strand, the complement: SEMA3D is on the minus strand). VCF-style: chr7-84999734-A-T. GRCh37 (hg19) VCF-style: chr7-84629050-A-T.
Other names: c.2040T>A, p.Thr680= (NM_001384901.1, NM_001384902.1, NM_001384903.1 and 1 more transcripts).
Identifiers: ClinVar variation 3049025 (VCV003049025.2), dbSNP rs149191627, ClinGen allele CA4323217.

ClinVar aggregate classification (germline): Likely benign (0 of 4 stars; one submission).

Conditions:
SEMA3D-related disorder. Also called: SEMA3D-related condition.

Allele frequency attached by ClinVar (database versions not stated): ExAC 0.00006; TOPMed 0.00006; gnomAD 0.00007; ESP Exome Variant Server 0.00008; gnomAD exomes 0.00012.
gnomAD v4.1: 174 of 1,613,926 alleles (0.011%); highest among the groups gnomAD compares: Non-Finnish European, 0.014%; no homozygotes.

Submission:

PreventionGenetics, part of Exact Sciences
Classification: Likely benign for SEMA3D-related condition. Last evaluated: 2022-06-21. Review status: no assertion criteria provided. Collection method: clinical testing. Allele origin: germline.
Comment: This variant is classified as likely benign based on ACMG/AMP sequence variant interpretation guidelines (Richards et al. 2015 PMID: 25741868, with internal and published modifications).